The following is an entry in ClinVar:

NM_201384.3(PLEC):c.4044+212C>T

Gene: PLEC (plectin; minus strand). Cytogenetic location: 8q24.3.
Variant type: single nucleotide variant.
Coding change: c.4044+212C>T on transcript NM_201384.3 (MANE Select); 212 bases into the intron after coding-DNA position 4044, C replaced by T.
Molecular consequence: intron variant.
Genome position (GRCh38, 1-based): chr8:143,926,572, G>A on the plus strand (C>T on the coding strand, the complement: PLEC is on the minus strand). VCF-style: chr8-143926572-G-A. GRCh37 (hg19) VCF-style: chr8-145000740-G-A.
Other names: c.4125+212C>T (NM_000445.5); c.4002+212C>T (NM_201378.4); c.3978+212C>T (NM_201379.3); c.4455+212C>T (NM_201380.4); c.3948+212C>T (NM_201381.3); c.4044+212C>T (NM_201382.4); c.4056+212C>T (NM_201383.3).
Identifiers: ClinVar variation 667909 (VCV000667909.1), dbSNP rs7017644, ClinGen allele CA12780796.
Genomic context (GRCh38, chr8:143,926,572, plus strand): 5'-GCCGCTAGGCTGCAGGGGGGACGCTCACGAGGGAGGAGAGGCGGCACCAGCCACTGTGGG[G>A]GAGCAGTGTAGCCACACCAGGCCAGGGGGGCAGGCCACAGGTGGGGCAGCCTGGGGCAGG-3'

ClinVar aggregate classification (germline): Benign (1 of 4 stars; one submission).

Allele frequency attached by ClinVar (database versions not stated): 1000 Genomes Project 30x 0.22939; 1000 Genomes Project 0.23083; TOPMed 0.28160; gnomAD 0.29925 and 0.30105.
gnomAD v4.1: 45,991 of 152,158 alleles (30%); highest among the groups gnomAD compares: Non-Finnish European, 41%; 8,640 homozygotes.

Submission:

GeneDx
Classification: Benign. Last evaluated: 2018-06-19. Review status: criteria provided, single submitter. Criteria: GeneDx Variant Classification (06012015). Collection method: clinical testing. Allele origin: germline. Affected: yes.
Comment: This variant is considered likely benign or benign based on one or more of the following criteria: it is a conservative change, it occurs at a poorly conserved position in the protein, it is predicted to be benign by multiple in silico algorithms, and/or has population frequency not consistent with disease.